The following is an entry in ClinVar:

NM_001041.4(SI):c.3865G>A (p.Gly1289Arg)

Gene: SI (sucrase-isomaltase; minus strand). Cytogenetic location: 3q26.1.
Variant type: single nucleotide variant.
Coding change: c.3865G>A on transcript NM_001041.4 (MANE Select); coding-DNA position 3865, G replaced by A.
Protein change: p.Gly1289Arg; replaces glycine 1289 with arginine.
Molecular consequence: missense variant.
Genome position (GRCh38, 1-based): chr3:165,015,975, C>T on the plus strand (G>A on the coding strand, the complement: SI is on the minus strand). VCF-style: chr3-165015975-C-T. GRCh37 (hg19) VCF-style: chr3-164733763-C-T.
Other names: c.3865G>A (NM_001041.3); short protein forms G1289R.
Identifiers: ClinVar variation 591974 (VCV000591974.8), dbSNP rs1559990351, ClinGen allele CA355036337.

ClinVar aggregate classification (germline): Uncertain significance. Review status: criteria provided, multiple submitters, no conflicts (2 of 4 stars). 4 submissions from 4 submitters: Uncertain significance (3). 1 of the submissions does not count toward it. Last evaluated 2024-10-22.

Conditions:
Sucrase-isomaltase deficiency (CSID). Also called: Deficiency of isomaltase; Congenital sucrose isomaltose malabsorption; Sucrose isomaltose enzyme deficiency; SI DEFICIENCY. Identifiers: Orphanet 35122, MedGen C1283620, MONDO:0009114, OMIM 222900.

gnomAD v4.1: 1 of 1,610,622 alleles (0.000062%); no homozygotes.

Submissions (4):

Labcorp Genetics (formerly Invitae), Labcorp
Classification: Uncertain significance. Last evaluated: 2024-10-22. Review status: criteria provided, single submitter. Criteria: Invitae Variant Classification Sherloc (09022015). Collection method: clinical testing. Allele origin: germline.
Comment: This sequence change replaces glycine, which is neutral and non-polar, with arginine, which is basic and polar, at codon 1289 of the SI protein (p.Gly1289Arg). This variant is not present in population databases (gnomAD no frequency). This variant has not been reported in the literature in individuals affected with SI-related conditions. ClinVar contains an entry for this variant (Variation ID: 591974). Invitae Evidence Modeling of protein sequence and biophysical properties (such as structural, functional, and spatial information, amino acid conservation, physicochemical variation, residue mobility, and thermodynamic stability) indicates that this missense variant is expected to disrupt SI protein function with a positive predictive value of 95%. In summary, the available evidence is currently insufficient to determine the role of this variant in disease. Therefore, it has been classified as a Variant of Uncertain Significance.

GeneDx
Classification: Uncertain significance. Last evaluated: 2024-08-04. Review status: criteria provided, single submitter. Criteria: GeneDx Variant Classification Process June 2021. Collection method: clinical testing. Allele origin: germline. Affected: yes.
Comment: Not observed at significant frequency in large population cohorts (gnomAD); In silico analysis supports that this missense variant has a deleterious effect on protein structure/function; Has not been previously published as pathogenic or benign to our knowledge

Fulgent Genetics
Classification: Uncertain significance for Sucrase-isomaltase deficiency. Last evaluated: 2022-03-28. Review status: criteria provided, single submitter. Criteria: ACMG Guidelines, 2015. Collection method: clinical testing. Allele origin: unknown.

Gharavi Laboratory, Columbia University
Classification: Uncertain significance. Last evaluated: 2018-09-16. Review status: no assertion criteria provided. Criteria: ACMG Guidelines, 2015. Collection method: research. Allele origin: germline. Affected: yes. Not counted in ClinVar's aggregate classification.